The following is an entry in ClinVar:

ClinVar aggregate classification (germline): Conflicting classifications of pathogenicity. Review status: criteria provided, conflicting classifications (1 of 4 stars). 9 submissions from 9 submitters: Uncertain significance (7); Likely benign (1). 1 of the submissions does not count toward it. Last evaluated 2025-12-29.

Conditions:
Charlevoix-Saguenay spastic ataxia (SACS). Also called: SPASTIC ATAXIA 6, AUTOSOMAL RECESSIVE; Spastic ataxia of Charlevoix-Saguenay; AUTOSOMAL RECESSIVE SPASTIC ATAXIA OF CHARLEVOIX-SAGUENAY. Identifiers: Orphanet 98, MedGen C1849140, MONDO:0010041, OMIM 270550.
Inborn genetic diseases. Identifiers: MedGen C0950123, MeSH D030342.
Spastic paraplegia. Identifiers: MedGen C0037772, HP:0001258.

Allele frequency attached by ClinVar (database versions not stated): ExAC 0.00006; gnomAD exomes 0.00009 and 0.00022; gnomAD 0.00010 and 0.00011; TOPMed 0.00011; ESP Exome Variant Server 0.00015.
gnomAD v4.1: 341 of 1,613,958 alleles (0.021%); highest among the groups gnomAD compares: Non-Finnish European, 0.027%; no homozygotes.

Submissions (9):

Labcorp Genetics (formerly Invitae), Labcorp
Classification: Likely benign for Spastic paraplegia. Last evaluated: 2025-12-29. Review status: criteria provided, single submitter. Criteria: Invitae Variant Classification Sherloc (09022015). Collection method: clinical testing. Allele origin: germline.

GeneDx
Classification: Uncertain significance. Last evaluated: 2024-04-29. Review status: criteria provided, single submitter. Criteria: GeneDx Variant Classification Process June 2021. Collection method: clinical testing. Allele origin: germline. Affected: yes.
Comment: In silico analysis supports that this missense variant does not alter protein structure/function; Has not been previously published as pathogenic or benign to our knowledge; This variant is associated with the following publications: (PMID: 34758253)

Genome-Nilou Lab
Classification: Uncertain significance for Charlevoix-Saguenay spastic ataxia. Last evaluated: 2021-09-05. Review status: criteria provided, single submitter. Criteria: ACMG Guidelines, 2015. Collection method: clinical testing. Allele origin: germline. Affected: no.

Ambry Genetics
Classification: Uncertain significance for Inborn genetic diseases. Last evaluated: 2020-12-07. Review status: criteria provided, single submitter. Criteria: Ambry Variant Classification Scheme 2023. Collection method: clinical testing. Allele origin: germline.
Comment: The c.13036G>A (p.D4346N) alteration is located in exon 10 (coding exon 9) of the SACS gene. This alteration results from a G to A substitution at nucleotide position 13036, causing the aspartic acid (D) at amino acid position 4346 to be replaced by an asparagine (N). The p.D4346N alteration is predicted to be tolerated by in silico analysis. Based on insufficient or conflicting evidence, the clinical significance of this alteration remains unclear.

Mayo Clinic Laboratories, Mayo Clinic
Classification: Uncertain significance. Last evaluated: 2020-02-24. Review status: criteria provided, single submitter. Criteria: ACMG Guidelines, 2015. Collection method: clinical testing. Allele origin: germline. Observed: 1 variant allele.

Fulgent Genetics
Classification: Uncertain significance for Charlevoix-Saguenay spastic ataxia. Last evaluated: 2018-10-31. Review status: criteria provided, single submitter. Criteria: ACMG Guidelines, 2015. Collection method: clinical testing. Allele origin: unknown.

Illumina Laboratory Services, Illumina
Classification: Uncertain significance for Charlevoix-Saguenay spastic ataxia. Last evaluated: 2018-01-13. Review status: criteria provided, single submitter. Criteria: ICSL Variant Classification Criteria 13 December 2019. Collection method: clinical testing. Allele origin: germline.

Eurofins Ntd Llc (ga)
Classification: Uncertain significance. Last evaluated: 2016-08-29. Review status: criteria provided, single submitter. Criteria: EGL Classification Definitions 2015. Collection method: clinical testing. Allele origin: germline. Observed: 1 variant allele, 1 heterozygote.

Genomics England Pilot Project, Genomics England
Classification: Likely pathogenic for Charlevoix-Saguenay spastic ataxia. Review status: no assertion criteria provided. Criteria: ACGS Guidelines, 2016. Collection method: clinical testing. Allele origin: germline. Affected: yes. Not counted in ClinVar's aggregate classification.

NM_014363.6(SACS):c.13036G>A (p.Asp4346Asn)

Gene: SACS (sacsin molecular chaperone; minus strand). Cytogenetic location: 13q12.12.
Variant type: single nucleotide variant.
Coding change: c.13036G>A on transcript NM_014363.6 (MANE Select); coding-DNA position 13036, G replaced by A.
Protein change: p.Asp4346Asn; replaces aspartic acid 4346 with asparagine.
Molecular consequence: missense variant.
Genome position (GRCh38, 1-based): chr13:23,330,840, C>T on the plus strand (G>A on the coding strand, the complement: SACS is on the minus strand). VCF-style: chr13-23330840-C-T. GRCh37 (hg19) VCF-style: chr13-23904979-C-T.
Other names: c.12595G>A, p.Asp4199Asn (NM_001278055.2); c.13036G>A (NM_014363.4); short protein forms D4346N, D4199N.
Identifiers: ClinVar variation 290508 (VCV000290508.24), dbSNP rs372359781, ClinGen allele CA6910032.
Genomic context (GRCh38, chr13:23,330,840, plus strand): 5'-CCTGTTTTTCTAATCTGTTGATTTCATTCTGCAAATGTTTAAAAACTTCATTGGCAATGT[C>T]ATGGTTCTCTGGATTTTTGTCAGGATGCCATTTCAAATACAACCGCCTAATAATCTTTTT-3'
Protein context (NP_055178.3, residues 4336-4356): WHPDKNPENH[Asp4346Asn]IANEVFKHLQ